The following is an entry in ClinVar:

NM_012463.4(ATP6V0A2):c.994G>A (p.Glu332Lys)

Gene: ATP6V0A2 (ATPase H+ transporting V0 subunit a2; plus strand). Cytogenetic location: 12q24.31.
Variant type: single nucleotide variant.
Coding change: c.994G>A on transcript NM_012463.4 (MANE Select); coding-DNA position 994, G replaced by A.
Protein change: p.Glu332Lys; replaces glutamic acid 332 with lysine.
Molecular consequence: missense variant.
Genome position (GRCh38, 1-based): chr12:123,737,227, G>A. VCF-style: chr12-123737227-G-A. GRCh37 (hg19) VCF-style: chr12-124221774-G-A.
Other names: short protein forms E332K.
Identifiers: ClinVar variation 1327202 (VCV001327202.12), dbSNP rs144949442, ClinGen allele CA6861785.

ClinVar aggregate classification (germline): Uncertain significance. Review status: criteria provided, multiple submitters, no conflicts (2 of 4 stars). 6 submissions from 6 submitters: Uncertain significance (6). Last evaluated 2025-10-22.

Conditions:
Inborn genetic diseases. Identifiers: MedGen C0950123, MeSH D030342.
ALG9 congenital disorder of glycosylation (CDG1L). Also called: CDG Il; CONGENITAL DISORDER OF GLYCOSYLATION, TYPE Il; ALG9-CDG. Identifiers: Orphanet 79328, MedGen C2931006, MONDO:0012117, OMIM 608776.
Cutis laxa with osteodystrophy (ARCL2A). Also called: Debré-Type Cutis Laxa; CUTIS LAXA WITH CONGENITAL DISORDER OF GLYCOSYLATION; CUTIS LAXA, AUTOSOMAL RECESSIVE, TYPE IIA; CUTIS LAXA WITH BONE DYSTROPHY; CUTIS LAXA WITH GROWTH AND DEVELOPMENTAL DELAY; CUTIS LAXA WITH JOINT LAXITY AND RETARDED DEVELOPMENT. Identifiers: Orphanet 357058, MedGen C0268355, MONDO:0018163, OMIM 219200. Disease mechanism: loss of function.

Allele frequency attached by ClinVar (database versions not stated): gnomAD exomes 0.00004 and 0.00005; ExAC 0.00007; 1000 Genomes Project 0.00020; TOPMed 0.00020; gnomAD 0.00021 and 0.00023; 1000 Genomes Project 30x 0.00031; ESP Exome Variant Server 0.00031.
gnomAD v4.1: 94 of 1,614,156 alleles (0.0058%); highest among the groups gnomAD compares: African/African-American, 0.061%; no homozygotes.

Submissions (6):

Ambry Genetics
Classification: Uncertain significance for Inborn genetic diseases. Last evaluated: 2025-10-22. Review status: criteria provided, single submitter. Criteria: Ambry Variant Classification Scheme 2023. Collection method: clinical testing. Allele origin: germline.

GeneDx
Classification: Uncertain significance. Last evaluated: 2024-03-10. Review status: criteria provided, single submitter. Criteria: GeneDx Variant Classification Process June 2021. Collection method: clinical testing. Allele origin: germline. Affected: yes.
Comment: In silico analysis supports that this missense variant does not alter protein structure/function; Has not been previously published as pathogenic or benign to our knowledge

Labcorp Genetics (formerly Invitae), Labcorp
Classification: Uncertain significance for ALG9 congenital disorder of glycosylation. Last evaluated: 2022-03-28. Review status: criteria provided, single submitter. Criteria: Invitae Variant Classification Sherloc (09022015). Collection method: clinical testing. Allele origin: germline.
Comment: This sequence change replaces glutamic acid, which is acidic and polar, with lysine, which is basic and polar, at codon 332 of the ATP6V0A2 protein (p.Glu332Lys). This variant is present in population databases (rs144949442, gnomAD 0.06%). This variant has not been reported in the literature in individuals affected with ATP6V0A2-related conditions. ClinVar contains an entry for this variant (Variation ID: 1327202). Algorithms developed to predict the effect of missense changes on protein structure and function (SIFT, PolyPhen-2, Align-GVGD) all suggest that this variant is likely to be tolerated. In summary, the available evidence is currently insufficient to determine the role of this variant in disease. Therefore, it has been classified as a Variant of Uncertain Significance.

Department of Pathology and Laboratory Medicine, Sinai Health System
Classification: Uncertain significance for autosomal recessive cutis laxa type 2A. Last evaluated: 2022-02-09. Review status: criteria provided, single submitter. Criteria: ACMG Guidelines, 2015. Collection method: research. Allele origin: germline.

Baylor Genetics
Classification: Uncertain significance for Cutis laxa with osteodystrophy. Last evaluated: 2021-09-09. Review status: criteria provided, single submitter. Criteria: ACMG Guidelines, 2015. Collection method: clinical testing. Allele origin: unknown.

Breakthrough Genomics
Classification: Uncertain significance. Review status: criteria provided, single submitter. Criteria: ACMG Guidelines, 2015. Collection method: not provided. Allele origin: germline. Inheritance: Autosomal recessive inheritance. Affected: yes.